The following is an entry in ClinVar:

ClinVar aggregate classification (germline): Uncertain significance (1 of 4 stars; one submission).

Conditions:
Cardiovascular phenotype. Identifiers: MedGen CN230736.

Allele frequency attached by ClinVar (database versions not stated): gnomAD exomes below 0.00001.
gnomAD v4.1: 1 of 1,612,322 alleles (0.000062%); highest among the groups gnomAD compares: South Asian, 0.0011%; no homozygotes.

Submission:

Ambry Genetics
Classification: Uncertain significance for Cardiovascular phenotype. Last evaluated: 2020-03-23. Review status: criteria provided, single submitter. Criteria: Ambry Variant Classification Scheme 2023. Collection method: clinical testing. Allele origin: germline.
Comment: The p.S21249G variant (also known as c.63745A>G), located in coding exon 162 of the TTN gene, results from an A to G substitution at nucleotide position 63745. The serine at codon 21249 is replaced by glycine, an amino acid with similar properties. This amino acid position is poorly conserved in available vertebrate species. In addition, this alteration is predicted to be tolerated by in silico analysis. Since supporting evidence is limited at this time, the clinical significance of this alteration remains unclear.

NM_001267550.2(TTN):c.90940A>G (p.Ser30314Gly)

Genes: TTN (titin; minus strand), TTN-AS1 (TTN antisense RNA 1; plus strand). Cytogenetic location: 2q31.2.
Variant type: single nucleotide variant.
Coding change: c.90940A>G on transcript NM_001267550.2 (MANE Select); coding-DNA position 90940, A replaced by G.
Protein change: p.Ser30314Gly; replaces serine 30314 with glycine.
Molecular consequence: missense variant.
Genome position (GRCh38, 1-based): chr2:178,551,960, T>C on the plus strand (A>G on the coding strand, the complement: TTN is on the minus strand). VCF-style: chr2-178551960-T-C. GRCh37 (hg19) VCF-style: chr2-179416687-T-C.
Other names: c.86017A>G, p.Ser28673Gly (NM_001256850.1); c.63745A>G, p.Ser21249Gly (NM_003319.4); c.83236A>G, p.Ser27746Gly (NM_133378.4); c.64120A>G, p.Ser21374Gly (NM_133432.3); c.64321A>G, p.Ser21441Gly (NM_133437.4); short protein forms S28673G, S27746G, S21249G, S21374G, S21441G, S30314G.
Identifiers: ClinVar variation 1753129 (VCV001753129.2), dbSNP rs2469272761, ClinGen allele CA349505359.